The following is an entry in ClinVar:

NM_001278.5(CHUK):c.224A>G (p.Lys75Arg)

Gene: CHUK (component of inhibitor of nuclear factor kappa B kinase complex; minus strand). Cytogenetic location: 10q24.31.
Variant type: single nucleotide variant.
Coding change: c.224A>G on transcript NM_001278.5 (MANE Select); coding-DNA position 224, A replaced by G.
Protein change: p.Lys75Arg; replaces lysine 75 with arginine.
Molecular consequence: missense variant.
Genome position (GRCh38, 1-based): chr10:100,222,957, T>C on the plus strand (A>G on the coding strand, the complement: CHUK is on the minus strand). VCF-style: chr10-100222957-T-C. GRCh37 (hg19) VCF-style: chr10-101982714-T-C.
Other names: c.224A>G, p.Lys75Arg (NM_001320928.2); short protein forms K75R.
Identifiers: ClinVar variation 1389590 (VCV001389590.6), dbSNP rs2134249107, ClinGen allele CA378156254.

ClinVar aggregate classification (germline): Uncertain significance (1 of 4 stars; one submission).

Submission:

Labcorp Genetics (formerly Invitae), Labcorp
Classification: Uncertain significance. Last evaluated: 2021-10-27. Review status: criteria provided, single submitter. Criteria: Invitae Variant Classification Sherloc (09022015). Collection method: clinical testing. Allele origin: germline.
Comment: In summary, the available evidence is currently insufficient to determine the role of this variant in disease. Therefore, it has been classified as a Variant of Uncertain Significance. Algorithms developed to predict the effect of missense changes on protein structure and function are either unavailable or do not agree on the potential impact of this missense change (SIFT: "Not Available"; PolyPhen-2: "Benign"; Align-GVGD: "Not Available"). This variant has not been reported in the literature in individuals affected with CHUK-related conditions. This variant is not present in population databases (gnomAD no frequency). This sequence change replaces lysine, a(n) basic and polar amino acid, with arginine, a(n) basic and polar amino acid, at codon 75 of the CHUK protein (p.Lys75Arg).